The following is an entry in ClinVar:

NM_020436.5(SALL4):c.1750C>T (p.His584Tyr)

Gene: SALL4 (spalt like transcription factor 4; minus strand). Cytogenetic location: 20q13.2.
Variant type: single nucleotide variant.
Coding change: c.1750C>T on transcript NM_020436.5 (MANE Select); coding-DNA position 1750, C replaced by T.
Protein change: p.His584Tyr; replaces histidine 584 with tyrosine.
Molecular consequence: missense variant. On other transcripts: intron variant (1).
Genome position (GRCh38, 1-based): chr20:51,790,733, G>A on the plus strand (C>T on the coding strand, the complement: SALL4 is on the minus strand). VCF-style: chr20-51790733-G-A. GRCh37 (hg19) VCF-style: chr20-50407272-G-A.
Other names: c.1150+600C>T (NM_001318031.2); short protein forms H584Y.
Identifiers: ClinVar variation 5006392 (VCV005006392.2).
Genomic context (GRCh38, chr20:51,790,733, plus strand): 5'-AAAAGGCTCGGCCACAGATCTTACACTGGAACGGTCTCTCCCCGGTGTGGGTGCGATAAT[G>A]CATCTTGAGGGAGCTCTGACAGCTTAAGACTCGGTGGCAAATGAGACATTCGTTGGGATC-3'
Protein context (NP_065169.1, residues 574-594): VLSCQSSLKM[His584Tyr]YRTHTGERPF

ClinVar aggregate classification (germline): Uncertain significance (1 of 4 stars; one submission).

Conditions:
Oculootoradial syndrome (IVIC). Also called: RADIAL RAY DEFECTS, HEARING IMPAIRMENT, EXTERNAL OPHTHALMOPLEGIA, AND THROMBOCYTOPENIA; IVIC syndrome. Identifiers: Orphanet 2307, MedGen C1327918, MONDO:0007836, OMIM 147750.
Duane-radial ray syndrome (DRRS). Also called: ACRORENOOCULAR SYNDROME; Duane-Radial Ray Syndrome (DRRS) / Okihiro Syndrome; Okihiro Syndrome; DR SYNDROME; DUANE ANOMALY WITH RADIAL RAY ABNORMALITIES AND DEAFNESS; Duane-Radial Ray Syndrome/Okihiro Syndrome. Identifiers: Orphanet 93293, Orphanet 959, MedGen C1623209, MONDO:0011812, OMIM 607323. Disease mechanism: gain of function.

Submission:

Juno Genomics, Hangzhou Juno Genomics, Inc
Classification: Uncertain significance for Oculootoradial syndrome; Duane-radial ray syndrome. Review status: criteria provided, single submitter. Criteria: ACMG Guidelines, 2015. Collection method: clinical testing. Allele origin: germline.
Comment: Absent from controls (or at extremely low frequency if recessive) in Genome Aggregation Database.;Multiple lines of computational evidence support a deleterious effect on the gene or gene product.